The following is an entry in ClinVar:

ClinVar aggregate classification (germline): Uncertain significance. Review status: criteria provided, multiple submitters, no conflicts (2 of 4 stars). 2 submissions from 2 submitters: Uncertain significance (2). Last evaluated 2024-08-21.

Conditions:
Inborn genetic diseases. Identifiers: MedGen C0950123, MeSH D030342.

Allele frequency attached by ClinVar (database versions not stated): ExAC 0.00002; gnomAD exomes 0.00002; gnomAD 0.00003; TOPMed 0.00003; ESP Exome Variant Server 0.00008.
gnomAD v4.1: 36 of 1,613,512 alleles (0.0022%); highest among the groups gnomAD compares: Non-Finnish European, 0.0029%; no homozygotes.

Submissions (2):

Women's Health and Genetics/Laboratory Corporation of America, LabCorp
Classification: Uncertain significance. Last evaluated: 2024-08-21. Review status: criteria provided, single submitter. Criteria: LabCorp Variant Classification Summary - May 2015. Collection method: clinical testing. Allele origin: germline.
Comment: Variant summary: SUZ12 c.1372C>T (p.Arg458Cys) results in a non-conservative amino acid change in the encoded protein sequence. Three of five in-silico tools predict a damaging effect of the variant on protein function. The variant allele was found at a frequency of 1.6e-05 in 251324 control chromosomes. The available data on variant occurrences in the general population are insufficient to allow any conclusion about variant significance. To our knowledge, no occurrence of c.1372C>T in individuals affected with Imagawa-Matsumoto Syndrome and no experimental evidence demonstrating its impact on protein function have been reported. ClinVar contains an entry for this variant (Variation ID: 3172319). Based on the evidence outlined above, the variant was classified as uncertain significance.

Ambry Genetics
Classification: Uncertain significance for Inborn genetic diseases. Last evaluated: 2022-06-10. Review status: criteria provided, single submitter. Criteria: Ambry Variant Classification Scheme 2023. Collection method: clinical testing. Allele origin: germline.

NM_015355.4(SUZ12):c.1372C>T (p.Arg458Cys)

Gene: SUZ12 (SUZ12 polycomb repressive complex 2 subunit; plus strand). Cytogenetic location: 17q11.2.
Variant type: single nucleotide variant.
Coding change: c.1372C>T on transcript NM_015355.4 (MANE Select); coding-DNA position 1372, C replaced by T.
Protein change: p.Arg458Cys; replaces arginine 458 with cysteine.
Molecular consequence: missense variant.
Genome position (GRCh38, 1-based): chr17:31,993,943, C>T. VCF-style: chr17-31993943-C-T. GRCh37 (hg19) VCF-style: chr17-30320962-C-T.
Other names: c.1303C>T, p.Arg435Cys (NM_001321207.2); short protein forms R435C, R458C.
Identifiers: ClinVar variation 3172319 (VCV003172319.2), dbSNP rs372771855, ClinGen allele CA8489754.